The following is an entry in ClinVar:

ClinVar aggregate classification (germline): Uncertain significance (1 of 4 stars; one submission).

Conditions:
Factor H deficiency (CFHD). Also called: COMPLEMENT FACTOR H DEFICIENCY; CFH DEFICIENCY. Identifiers: Orphanet 200421, MedGen C0398777, MONDO:0012350, OMIM 609814.

Submission:

Department of Molecular Genetics, Istishari Arab Hospital
Classification: Uncertain significance for Factor H deficiency. Last evaluated: 2025-10-20. Review status: criteria provided, single submitter. Criteria: ACMG Guidelines, 2015. Collection method: clinical testing. Allele origin: germline. Inheritance: Autosomal recessive inheritance. Affected: yes.
Comment: The CFH variant c.3230G>T, p.Cys1077Phe creates an amino acid change from Cys to Phe at position 1077. To the best of our knowledge, this variant was not previously reported in the literature. This variant is not observed in the gnomAD v4.1.0 dataset. It is classified as variant of uncertain significance (class 3) according to the recommendations of ACMG/AMP/ClinGen SVI guidelines

NM_000186.4(CFH):c.3230G>T (p.Cys1077Phe)

Gene: CFH (complement factor H; plus strand). Cytogenetic location: 1q31.3.
Variant type: single nucleotide variant.
Coding change: c.3230G>T on transcript NM_000186.4 (MANE Select); coding-DNA position 3230, G replaced by T.
Protein change: p.Cys1077Phe; replaces cysteine 1077 with phenylalanine.
Molecular consequence: missense variant.
Genome position (GRCh38, 1-based): chr1:196,743,548, G>T. VCF-style: chr1-196743548-G-T. GRCh37 (hg19) VCF-style: chr1-196712678-G-T.
Other names: p.Cys1077Phe; short protein forms C1077F.
Identifiers: ClinVar variation 4281617 (VCV004281617.1).